The following is an entry in ClinVar:

ClinVar aggregate classification (germline): Uncertain significance. Review status: criteria provided, multiple submitters, no conflicts (2 of 4 stars). 2 submissions from 2 submitters: Uncertain significance (2). Last evaluated 2024-12-08.

Conditions:
Cardiovascular phenotype. Identifiers: MedGen CN230736.
Familial thoracic aortic aneurysm and aortic dissection (TAAD). Also called: Thoracic aortic aneurysms and dissections. Identifiers: Orphanet 91387, MedGen C4707243, MONDO:0019625.

Allele frequency attached by ClinVar (database versions not stated): gnomAD 0.00001.
gnomAD v4.1: 21 of 1,604,184 alleles (0.0013%); highest among the groups gnomAD compares: Non-Finnish European, 0.0018%; no homozygotes.

Submissions (2):

Labcorp Genetics (formerly Invitae), Labcorp
Classification: Uncertain significance for Familial thoracic aortic aneurysm and aortic dissection. Last evaluated: 2024-12-08. Review status: criteria provided, single submitter. Criteria: Invitae Variant Classification Sherloc (09022015). Collection method: clinical testing. Allele origin: germline.
Comment: This sequence change replaces glutamine, which is neutral and polar, with arginine, which is basic and polar, at codon 4 of the MAT2A protein (p.Gln4Arg). This variant is present in population databases (no rsID available, gnomAD 0.007%). This missense change has been observed in individual(s) with clinical features of MAT2A-related conditions (internal data). ClinVar contains an entry for this variant (Variation ID: 2810725). An algorithm developed to predict the effect of missense changes on protein structure and function (PolyPhen-2) suggests that this variant is likely to be tolerated. In summary, the available evidence is currently insufficient to determine the role of this variant in disease. Therefore, it has been classified as a Variant of Uncertain Significance.

Ambry Genetics
Classification: Uncertain significance for Cardiovascular phenotype. Last evaluated: 2024-03-04. Review status: criteria provided, single submitter. Criteria: Ambry Variant Classification Scheme 2023. Collection method: clinical testing. Allele origin: germline.

NM_005911.6(MAT2A):c.11A>G (p.Gln4Arg)

Gene: MAT2A (methionine adenosyltransferase 2A; plus strand). Cytogenetic location: 2p11.2.
Variant type: single nucleotide variant.
Coding change: c.11A>G on transcript NM_005911.6 (MANE Select); coding-DNA position 11, A replaced by G.
Protein change: p.Gln4Arg; replaces glutamine 4 with arginine.
Molecular consequence: missense variant.
Genome position (GRCh38, 1-based): chr2:85,539,298, A>G. VCF-style: chr2-85539298-A-G. GRCh37 (hg19) VCF-style: chr2-85766421-A-G.
Other names: c.11A>G (NM_005911.5); short protein forms Q4R.
Identifiers: ClinVar variation 2810725 (VCV002810725.4), dbSNP rs756268499, ClinGen allele CA347475117.
Genomic context (GRCh38, chr2:85,539,298, plus strand): 5'-CGCCTCGCCGCTGCTCCTTCGTAAGGCCACTTCCGCACACCGACACCAACATGAACGGAC[A>G]GCTCAACGGCTTCCACGAGGCGTTCATCGAGGAGGGCACATTCCTTTTCACCTCAGAGTC-3'
Protein context (NP_005902.1, residues 1-14): MNG[Gln4Arg]LNGFHEAFIE